The following is an entry in ClinVar:

NM_017636.4(TRPM4):c.136G>A (p.Ala46Thr)

Gene: TRPM4 (transient receptor potential cation channel subfamily M member 4; plus strand). Cytogenetic location: 19q13.33.
Variant type: single nucleotide variant.
Coding change: c.136G>A on transcript NM_017636.4 (MANE Select); coding-DNA position 136, G replaced by A.
Protein change: p.Ala46Thr; replaces alanine 46 with threonine.
Molecular consequence: missense variant. On other transcripts: 5 prime UTR variant (1), intron variant (2).
Genome position (GRCh38, 1-based): chr19:49,166,084, G>A. VCF-style: chr19-49166084-G-A. GRCh37 (hg19) VCF-style: chr19-49669341-G-A.
Other names: c.136G>A, p.Ala46Thr (NM_001195227.2, NM_001321281.2); c.-1237G>A (NM_001321282.2); c.-74-2176G>A (NM_001321283.2); c.-237-2469G>A (NM_001321285.2); c.136G>A (NM_017636.3); short protein forms A46T.
Identifiers: ClinVar variation 2782249 (VCV002782249.4), dbSNP rs751134895, ClinGen allele CA9568702.

ClinVar aggregate classification (germline): Uncertain significance. Review status: criteria provided, multiple submitters, no conflicts (2 of 4 stars). 2 submissions from 2 submitters: Uncertain significance (2). Last evaluated 2025-09-28.

Conditions:
Progressive familial heart block type IB (PFHB1B). Identifiers: Orphanet 871, MedGen C1970298, MONDO:0011474, OMIM 604559.
Cardiovascular phenotype. Identifiers: MedGen CN230736.

Allele frequency attached by ClinVar (database versions not stated): TOPMed below 0.00001; gnomAD 0.00001; ExAC 0.00003.
gnomAD v4.1: 9 of 1,602,600 alleles (0.00056%); highest among the groups gnomAD compares: Admixed American, 0.0017%; no homozygotes.

Submissions (2):

Ambry Genetics
Classification: Uncertain significance for Cardiovascular phenotype. Last evaluated: 2025-09-28. Review status: criteria provided, single submitter. Criteria: Ambry Variant Classification Scheme 2023. Collection method: clinical testing. Allele origin: germline.
Comment: The p.A46T variant (also known as c.136G>A), located in coding exon 3 of the TRPM4 gene, results from a G to A substitution at nucleotide position 136. The alanine at codon 46 is replaced by threonine, an amino acid with similar properties. This amino acid position is conserved. In addition, this alteration is predicted to be tolerated by in silico analysis. Based on the available evidence, the clinical significance of this variant remains unclear.

Labcorp Genetics (formerly Invitae), Labcorp
Classification: Uncertain significance for Progressive familial heart block type IB. Last evaluated: 2023-04-18. Review status: criteria provided, single submitter. Criteria: Invitae Variant Classification Sherloc (09022015). Collection method: clinical testing. Allele origin: germline.
Comment: In summary, the available evidence is currently insufficient to determine the role of this variant in disease. Therefore, it has been classified as a Variant of Uncertain Significance. An algorithm developed to predict the effect of missense changes on protein structure and function (PolyPhen-2) suggests that this variant is likely to be tolerated. This variant has not been reported in the literature in individuals affected with TRPM4-related conditions. The frequency data for this variant in the population databases is considered unreliable, as metrics indicate poor data quality at this position in the gnomAD database. This sequence change replaces alanine, which is neutral and non-polar, with threonine, which is neutral and polar, at codon 46 of the TRPM4 protein (p.Ala46Thr).